The following is an entry in ClinVar:

NM_000081.4(LYST):c.1198C>A (p.Leu400Ile)

Gene: LYST (lysosomal trafficking regulator; minus strand). Cytogenetic location: 1q42.3.
Variant type: single nucleotide variant.
Coding change: c.1198C>A on transcript NM_000081.4 (MANE Select); coding-DNA position 1198, C replaced by A.
Protein change: p.Leu400Ile; replaces leucine 400 with isoleucine.
Molecular consequence: missense variant.
Genome position (GRCh38, 1-based): chr1:235,809,620, G>T on the plus strand (C>A on the coding strand, the complement: LYST is on the minus strand). VCF-style: chr1-235809620-G-T. GRCh37 (hg19) VCF-style: chr1-235972920-G-T.
Other names: c.1198C>A, p.Leu400Ile (NM_001301365.1); short protein forms L400I.
Identifiers: ClinVar variation 657476 (VCV000657476.6), dbSNP rs2527118723, ClinGen allele CA344962946.

ClinVar aggregate classification (germline): Uncertain significance (1 of 4 stars; one submission).

Conditions:
Chédiak-Higashi syndrome (CHS). Also called: Chediak-Higashi Syndrome. Identifiers: Orphanet 167, MedGen C0007965, MONDO:0008963, OMIM 214500.

Allele frequency attached by ClinVar (database versions not stated): gnomAD exomes below 0.00001.
gnomAD v4.1: 5 of 1,614,060 alleles (0.00031%); highest among the groups gnomAD compares: Non-Finnish European, 0.00042%; no homozygotes.

Submission:

Labcorp Genetics (formerly Invitae), Labcorp
Classification: Uncertain significance for Chédiak-Higashi syndrome. Last evaluated: 2021-09-01. Review status: criteria provided, single submitter. Criteria: Invitae Variant Classification Sherloc (09022015). Collection method: clinical testing. Allele origin: germline.
Comment: This sequence change replaces leucine with isoleucine at codon 400 of the LYST protein (p.Leu400Ile). The leucine residue is moderately conserved and there is a small physicochemical difference between leucine and isoleucine. This variant is not present in population databases (ExAC no frequency). This variant has not been reported in the literature in individuals affected with LYST-related conditions. Algorithms developed to predict the effect of missense changes on protein structure and function are either unavailable or do not agree on the potential impact of this missense change (SIFT: "Tolerated"; PolyPhen-2: "Probably Damaging"; Align-GVGD: "Class C0"). In summary, the available evidence is currently insufficient to determine the role of this variant in disease. Therefore, it has been classified as a Variant of Uncertain Significance.